The following is an entry in ClinVar:

ClinVar aggregate classification (germline): Uncertain significance. Review status: criteria provided, multiple submitters, no conflicts (2 of 4 stars). 2 submissions from 2 submitters: Uncertain significance (2). Last evaluated 2024-07-23.

Conditions:
Severe combined immunodeficiency due to CORO1A deficiency. Also called: IMMUNODEFICIENCY 8 WITH LYMPHOPROLIFERATION; Immunodeficiency 8. Identifiers: Orphanet 228003, MedGen C3809383, MONDO:0014168, OMIM 615401.

Allele frequency attached by ClinVar (database versions not stated): ExAC 0.00001; gnomAD exomes 0.00001; gnomAD 0.00003 and 0.00004; TOPMed 0.00003.

Submissions (2):

Labcorp Genetics (formerly Invitae), Labcorp
Classification: Uncertain significance for Severe combined immunodeficiency due to CORO1A deficiency. Last evaluated: 2024-07-23. Review status: criteria provided, single submitter. Criteria: Invitae Variant Classification Sherloc (09022015). Collection method: clinical testing. Allele origin: germline.
Comment: This sequence change replaces arginine, which is basic and polar, with cysteine, which is neutral and slightly polar, at codon 199 of the CORO1A protein (p.Arg199Cys). This variant is present in population databases (rs763170903, gnomAD 0.007%). This variant has not been reported in the literature in individuals affected with CORO1A-related conditions. ClinVar contains an entry for this variant (Variation ID: 933253). Advanced modeling of protein sequence and biophysical properties (such as structural, functional, and spatial information, amino acid conservation, physicochemical variation, residue mobility, and thermodynamic stability) performed at Invitae indicates that this missense variant is not expected to disrupt CORO1A protein function with a negative predictive value of 80%. Algorithms developed to predict the effect of sequence changes on RNA splicing suggest that this variant may create or strengthen a splice site. In summary, the available evidence is currently insufficient to determine the role of this variant in disease. Therefore, it has been classified as a Variant of Uncertain Significance.

Fulgent Genetics
Classification: Uncertain significance for Severe combined immunodeficiency due to CORO1A deficiency. Last evaluated: 2022-01-07. Review status: criteria provided, single submitter. Criteria: ACMG Guidelines, 2015. Collection method: clinical testing. Allele origin: unknown.

NM_007074.4(CORO1A):c.595C>T (p.Arg199Cys)

Genes: CORO1A (coronin 1A; plus strand), LOC121587541 (Sharpr-MPRA regulatory region 7413; plus strand). Cytogenetic location: 16p11.2.
Variant type: single nucleotide variant.
Coding change: c.595C>T on transcript NM_007074.4 (MANE Select); coding-DNA position 595, C replaced by T.
Protein change: p.Arg199Cys; replaces arginine 199 with cysteine.
Molecular consequence: missense variant.
Genome position (GRCh38, 1-based): chr16:30,187,182, C>T. VCF-style: chr16-30187182-C-T. GRCh37 (hg19) VCF-style: chr16-30198503-C-T.
Other names: c.595C>T, p.Arg199Cys (NM_001193333.3); short protein forms R199C.
Identifiers: ClinVar variation 933253 (VCV000933253.9), dbSNP rs763170903, ClinGen allele CA8003161.
Genomic context (GRCh38, chr16:30,187,182, plus strand): 5'-ATCTACAGTGTGGACTGGAGCCGAGATGGAGGCCTCATTTGTACCTCCTGCCGTGACAAG[C>T]GCGTGCGCATCATCGAGCCCCGCAAAGGCACTGTCGTAGCTGTGAGTCGCCATCTACCCT-3'
Protein context (NP_009005.1, residues 189-209): GLICTSCRDK[Arg199Cys]VRIIEPRKGT